The following is an entry in ClinVar:

ClinVar aggregate classification (germline): Likely benign. Review status: criteria provided, multiple submitters, no conflicts (2 of 4 stars). 4 submissions from 4 submitters: Likely benign (4). Last evaluated 2026-06-30.

Conditions:
HK1-related disorder. Also called: HK1-related condition; HK1-related disorders.

Allele frequency attached by ClinVar (database versions not stated): TOPMed 0.00002; ExAC 0.00004; gnomAD 0.00005; gnomAD exomes 0.00006 and 0.00007; ESP Exome Variant Server 0.00008.
gnomAD v4.1: 89 of 1,614,026 alleles (0.0055%); highest among the groups gnomAD compares: Non-Finnish European, 0.0046%; no homozygotes.

Submissions (4):

Women's Health and Genetics/Laboratory Corporation of America, LabCorp
Classification: Likely benign. Last evaluated: 2026-06-30. Review status: criteria provided, single submitter. Criteria: LabCorp Variant Classification Summary - May 2015. Collection method: clinical testing. Allele origin: germline.

Mayo Clinic Laboratories, Mayo Clinic
Classification: Likely benign. Last evaluated: 2025-09-24. Review status: criteria provided, single submitter. Criteria: ACMG Guidelines, 2015. Collection method: clinical testing. Allele origin: germline. Observed: 1 variant allele.
Comment: BS1, BP4, BP7

PreventionGenetics, part of Exact Sciences
Classification: Likely benign for HK1-related condition. Last evaluated: 2025-07-29. Review status: criteria provided, single submitter. Criteria: ACMG Guidelines, 2015. Collection method: clinical testing. Allele origin: germline.
Comment: This variant is classified as likely benign based on ACMG/AMP sequence variant interpretation guidelines (Richards et al. 2015 PMID: 25741868, with internal and published modifications).

Labcorp Genetics (formerly Invitae), Labcorp
Classification: Likely benign. Last evaluated: 2024-10-15. Review status: criteria provided, single submitter. Criteria: Invitae Variant Classification Sherloc (09022015). Collection method: clinical testing. Allele origin: germline.

NM_000188.3(HK1):c.798C>T (p.Asp266=)

Gene: HK1 (hexokinase 1; plus strand). Cytogenetic location: 10q22.1.
Variant type: single nucleotide variant.
Coding change: c.798C>T on transcript NM_000188.3 (MANE Select); coding-DNA position 798, C replaced by T.
Protein change: p.Asp266=; no amino-acid change (aspartic acid 266 retained).
Molecular consequence: synonymous variant.
Genome position (GRCh38, 1-based): chr10:69,369,547, C>T. VCF-style: chr10-69369547-C-T. GRCh37 (hg19) VCF-style: chr10-71129303-C-T.
Other names: p.Asp266=; c.810C>T, p.Asp270= (NM_001322364.2, NM_001358263.1, NM_033497.3 and 1 more transcripts); c.903C>T, p.Asp301= (NM_001322365.2); c.714C>T, p.Asp238= (NM_001322366.1); c.702C>T, p.Asp234= (NM_001322367.1); c.795C>T, p.Asp265= (NM_033496.3); c.762C>T, p.Asp254= (NM_033500.2).
Identifiers: ClinVar variation 800066 (VCV000800066.12), dbSNP rs35378602, ClinGen allele CA5532428.